The following is an entry in ClinVar:

ClinVar aggregate classification (germline): Uncertain significance (1 of 4 stars; one submission).

Conditions:
Charcot-Marie-Tooth disease type 4. Also called: Charcot-Marie-Tooth disease, type IV; Charcot-Marie-Tooth, Type 4. Identifiers: Orphanet 64749, MedGen C4082197, MONDO:0018995.

Submission:

Labcorp Genetics (formerly Invitae), Labcorp
Classification: Uncertain significance for Charcot-Marie-Tooth disease type 4. Last evaluated: 2019-02-05. Review status: criteria provided, single submitter. Criteria: Invitae Variant Classification Sherloc (09022015). Collection method: clinical testing. Allele origin: germline.
Comment: This variant is not present in population databases (ExAC no frequency). This sequence change replaces arginine with lysine at codon 1753 of the SBF2 protein (p.Arg1753Lys). The arginine residue is highly conserved and there is a small physicochemical difference between arginine and lysine. This variant has not been reported in the literature in individuals with SBF2-related conditions. In summary, the available evidence is currently insufficient to determine the role of this variant in disease. Therefore, it has been classified as a Variant of Uncertain Significance. Algorithms developed to predict the effect of missense changes on protein structure and function are either unavailable or do not agree on the potential impact of this missense change (SIFT: "Deleterious"; PolyPhen-2: "Benign"; Align-GVGD: "Class C0").

NM_030962.4(SBF2):c.5258G>A (p.Arg1753Lys)

Genes: SBF2 (SET binding factor 2; minus strand), SBF2-AS1 (SBF2 antisense RNA 1; plus strand), LOC105369149 (uncharacterized LOC105369149; plus strand). Cytogenetic location: 11p15.4.
Variant type: single nucleotide variant.
Coding change: c.5258G>A on transcript NM_030962.4 (MANE Select); coding-DNA position 5258, G replaced by A.
Protein change: p.Arg1753Lys; replaces arginine 1753 with lysine.
Molecular consequence: missense variant.
Genome position (GRCh38, 1-based): chr11:9,784,412, C>T on the plus strand (G>A on the coding strand, the complement: SBF2 is on the minus strand). VCF-style: chr11-9784412-C-T. GRCh37 (hg19) VCF-style: chr11-9805959-C-T.
Other names: c.5354G>A, p.Arg1785Lys (NM_001386339.1); c.5129G>A, p.Arg1710Lys (NM_001386342.1); short protein forms R1753K, R1785K, R1710K.
Identifiers: ClinVar variation 857856 (VCV000857856.10), dbSNP rs1852232500, ClinGen allele CA379631346.